The following is an entry in ClinVar:

ClinVar aggregate classification (germline): Uncertain significance (1 of 4 stars; one submission).

Submission:

CeGaT Center for Human Genetics Tuebingen
Classification: Uncertain significance. Last evaluated: 2024-02-01. Review status: criteria provided, single submitter. Criteria: CeGaT Center For Human Genetics Tuebingen Variant Classification Criteria Version 2. Collection method: clinical testing. Allele origin: germline. Affected: yes. Observed: 1 variant allele.
Comment: FAR1: PM2, PS2:Supporting

NM_032228.6(FAR1):c.575T>A (p.Ile192Asn)

Gene: FAR1 (fatty acyl-CoA reductase 1; plus strand). Cytogenetic location: 11p15.3.
Variant type: single nucleotide variant.
Coding change: c.575T>A on transcript NM_032228.6 (MANE Select); coding-DNA position 575, T replaced by A.
Protein change: p.Ile192Asn; replaces isoleucine 192 with asparagine.
Molecular consequence: missense variant.
Genome position (GRCh38, 1-based): chr11:13,710,722, T>A. VCF-style: chr11-13710722-T-A. GRCh37 (hg19) VCF-style: chr11-13732269-T-A.
Other names: short protein forms I192N.
Identifiers: ClinVar variation 3027100 (VCV003027100.22), dbSNP rs1464334357, ClinGen allele CA379857210.